The following is an entry in ClinVar:

ClinVar aggregate classification (germline): Benign/Likely benign. Review status: criteria provided, multiple submitters, no conflicts (2 of 4 stars). 5 submissions from 5 submitters: Benign (1); Likely benign (4). Last evaluated 2026-01-11.

Conditions:
Hereditary cancer-predisposing syndrome. Also called: Tumor predisposition; Neoplastic Syndromes, Hereditary; Hereditary Cancer Syndrome; Hereditary neoplastic syndrome. Identifiers: Orphanet 140162, MedGen C0027672, MeSH D009386, MONDO:0015356.
Hereditary diffuse gastric adenocarcinoma (HDGC). Also called: DIFFUSE GASTRIC AND LOBULAR BREAST CANCER SYNDROME. Identifiers: Orphanet 26106, MedGen C1708349, MONDO:0007648, OMIM 137215.

Allele frequency attached by ClinVar (database versions not stated): TOPMed below 0.00001; gnomAD 0.00001.
gnomAD v4.1: 7 of 1,613,988 alleles (0.00043%); highest among the groups gnomAD compares: Non-Finnish European, 0.00059%; no homozygotes.

Submissions (5):

Labcorp Genetics (formerly Invitae), Labcorp
Classification: Likely benign for Hereditary diffuse gastric adenocarcinoma. Last evaluated: 2026-01-11. Review status: criteria provided, single submitter. Criteria: Invitae Variant Classification Sherloc (09022015). Collection method: clinical testing. Allele origin: germline.

Myriad Genetics, Inc.
Classification: Benign for Hereditary diffuse gastric adenocarcinoma. Last evaluated: 2024-09-18. Review status: criteria provided, single submitter. Criteria: Myriad Autosomal Dominant, Autosomal Recessive and X-Linked Classification Criteria (2023). Collection method: clinical testing. Allele origin: unknown.
Comment: This variant is considered benign. This variant is a silent/synonymous amino acid change and it is not expected to impact splicing.

Women's Health and Genetics/Laboratory Corporation of America, LabCorp
Classification: Likely benign. Last evaluated: 2021-11-20. Review status: criteria provided, single submitter. Criteria: LabCorp Variant Classification Summary - May 2015. Collection method: clinical testing. Allele origin: germline.

Color Diagnostics, LLC DBA Color Health
Classification: Likely benign for Hereditary cancer-predisposing syndrome. Last evaluated: 2017-05-29. Review status: criteria provided, single submitter. Criteria: ACMG Guidelines, 2015. Collection method: clinical testing. Allele origin: germline.

Ambry Genetics
Classification: Likely benign for Hereditary cancer-predisposing syndrome. Last evaluated: 2015-10-13. Review status: criteria provided, single submitter. Criteria: Ambry Variant Classification Scheme 2023. Collection method: clinical testing. Allele origin: germline.

NM_004360.5(CDH1):c.1209C>G (p.Ala403=)

Gene: CDH1 (cadherin 1; plus strand). Cytogenetic location: 16q22.1.
Variant type: single nucleotide variant.
Coding change: c.1209C>G on transcript NM_004360.5 (MANE Select); coding-DNA position 1209, C replaced by G.
Protein change: p.Ala403=; no amino-acid change (alanine 403 retained).
Molecular consequence: synonymous variant. On other transcripts: 5 prime UTR variant (2), intron variant (1).
Genome position (GRCh38, 1-based): chr16:68,813,384, C>G. VCF-style: chr16-68813384-C-G. GRCh37 (hg19) VCF-style: chr16-68847287-C-G.
Other names: c.1209C>G (LRG_301t1); c.-407C>G (NM_001317185.2); c.-611C>G (NM_001317186.2); c.1137+1121C>G (NM_001317184.2).
Identifiers: ClinVar variation 414053 (VCV000414053.20), dbSNP rs982151802, ClinGen allele CA16615239.